The following is an entry in ClinVar:

NM_133433.4(NIPBL):c.1850A>C (p.Glu617Ala)

Gene: NIPBL (NIPBL cohesin loading factor; plus strand). Cytogenetic location: 5p13.2.
Variant type: single nucleotide variant.
Coding change: c.1850A>C on transcript NM_133433.4 (MANE Select); coding-DNA position 1850, A replaced by C.
Protein change: p.Glu617Ala; replaces glutamic acid 617 with alanine.
Molecular consequence: missense variant.
Genome position (GRCh38, 1-based): chr5:36,985,030, A>C. VCF-style: chr5-36985030-A-C. GRCh37 (hg19) VCF-style: chr5-36985132-A-C.
Other names: c.1850A>C, p.Glu617Ala (NM_015384.5); short protein forms E617A.
Identifiers: ClinVar variation 4056661 (VCV004056661.1).

ClinVar aggregate classification (germline): Uncertain significance (1 of 4 stars; one submission).

Conditions:
Cornelia de Lange syndrome 1 (CDLS1). Also called: TYPUS DEGENERATIVUS AMSTELODAMENSIS; Brachmann de Lange syndrome; NIPBL-Related Cornelia de Lange Syndrome. Identifiers: Orphanet 199, MedGen C4551851, MONDO:0007387, OMIM 122470.

gnomAD v4.1: 8 of 1,613,968 alleles (0.0005%); highest among the groups gnomAD compares: Middle Eastern, 0.017%; no homozygotes.

Submission:

Laboratorio de Genetica e Diagnostico Molecular, Hospital Israelita Albert Einstein
Classification: Uncertain significance for Cornelia de Lange syndrome 1. Last evaluated: 2024-08-09. Review status: criteria provided, single submitter. Criteria: ACMG Guidelines, 2015. Collection method: clinical testing. Allele origin: germline. Affected: yes.
Comment: ACMG classification criteria: PM2 supporting, PP2 supporting, BP4 supporting